The following is an entry in ClinVar:

NM_000558.5(HBA1):c.45G>C (p.Trp15Cys)

Genes: HBA1 (hemoglobin subunit alpha 1; plus strand), LOC106804613 (hemoglobin subunit alpha 1 recombination region; plus strand). Cytogenetic location: 16p13.3.
Variant type: single nucleotide variant.
Coding change: c.45G>C on transcript NM_000558.5 (MANE Select); coding-DNA position 45, G replaced by C.
Protein change: p.Trp15Cys; replaces tryptophan 15 with cysteine.
Molecular consequence: missense variant.
Genome position (GRCh38, 1-based): chr16:176,761, G>C. VCF-style: chr16-176761-G-C. GRCh37 (hg19) VCF-style: chr16-226760-G-C.
Other names: short protein forms W15C.
Identifiers: ClinVar variation 4884435 (VCV004884435.1).
Genomic context (GRCh38, chr16:176,761, plus strand): 5'-TCAGAGAGAACCCACCATGGTGCTGTCTCCTGCCGACAAGACCAACGTCAAGGCCGCCTG[G>C]GGTAAGGTCGGCGCGCACGCTGGCGAGTATGGTGCGGAGGCCCTGGAGAGGTGAGGCTCC-3'
Protein context (NP_000549.1, residues 5-25): PADKTNVKAA[Trp15Cys]GKVGAHAGEY

ClinVar aggregate classification (germline): Uncertain significance (1 of 4 stars; one submission).

Conditions:
alpha Thalassemia. Also called: Alpha thalassemia spectrum. Identifiers: Orphanet 846, MedGen C0002312, MONDO:0011399, OMIM 604131.

Submission:

Child and Adolescent Health Research Laboratory, National Institute for Research on Women's Health, Indian Council of Medical Research
Classification: Uncertain significance for alpha Thalassemia. Last evaluated: 2026-04-08. Review status: criteria provided, single submitter. Criteria: ACMG Guidelines 2015. Collection method: research. Allele origin: germline. Affected: yes.
Comment: The HBA1:c.45G>C variant is absent or extremely rare in population databases (PM2), is a novel missense change occurring at an amino acid residue where a different pathogenic missense variant has previously been reported (PM5), and multiple in silico prediction tools support a deleterious effect on the gene/protein (PP3). Based on the ACMG/AMP criteria (PM2, PM5, and PP3), this variant is classified as Uncertain Significance.